The following is an entry in ClinVar:

ClinVar aggregate classification (germline): Uncertain significance. Review status: criteria provided, multiple submitters, no conflicts (2 of 4 stars). 2 submissions from 2 submitters: Uncertain significance (2). Last evaluated 2026-04-01.

Conditions:
Primary ciliary dyskinesia. Also called: Ciliary dyskinesia. Identifiers: Orphanet 244, MedGen C0008780, MONDO:0016575, HP:0012265.

Allele frequency attached by ClinVar (database versions not stated): gnomAD exomes below 0.00001; gnomAD 0.00001; TOPMed 0.00001.
gnomAD v4.1: 5 of 1,613,124 alleles (0.00031%); highest among the groups gnomAD compares: Non-Finnish European, 0.00042%; no homozygotes.

Submissions (2):

Department of Human Genetics, Hannover Medical School
Classification: Uncertain significance for Primary Ciliary Dyskinesia. Last evaluated: 2026-04-01. Review status: criteria provided, single submitter. Criteria: ACMG Guidelines, 2015. Collection method: research. Allele origin: germline. Affected: no.
Comment: Classification performed by HerediClassify using the following criteria:['PM2_supporting: Variant occures does not occur as homozygous in gnomAD.', 'PVS1_protein_strong: Transcript ENST00000360870 is not predicted to undergo NMD. Protein length change of 0.12027123483226265 observed. ']

GeneDx
Classification: Uncertain significance. Last evaluated: 2025-08-05. Review status: criteria provided, single submitter. Criteria: GeneDx Variant Classification Process June 2021. Collection method: clinical testing. Allele origin: germline. Affected: yes.
Comment: Reported using an alternate transcript of the gene; Not observed at significant frequency in large population cohorts (gnomAD); Nonsense variant predicted to result in protein truncation as the last 674 amino acids are lost; Has not been previously published as pathogenic or benign to our knowledge

NM_133379.5(TTN):c.14791C>T (p.Gln4931Ter)

Genes: TTN (titin; minus strand), LOC126806432 (CDK7 strongly-dependent group 2 enhancer GRCh37_chr2:179611985-179613184; plus strand). Cytogenetic location: 2q31.2.
Variant type: single nucleotide variant.
Coding change: c.14791C>T on transcript NM_133379.5; coding-DNA position 14791, C replaced by T.
Protein change: p.Gln4931Ter; replaces glutamine 4931 with a stop codon.
Molecular consequence: nonsense. On other transcripts: intron variant (6).
Genome position (GRCh38, 1-based): chr2:178,747,609, G>A on the plus strand (C>T on the coding strand, the complement: TTN is on the minus strand). VCF-style: chr2-178747609-G-A. GRCh37 (hg19) VCF-style: chr2-179612336-G-A.
Other names: c.10222+5515C>T (NM_003319.4); c.10798+5515C>T (NM_133437.4); c.10597+5515C>T (NM_133432.3); c.10360+5515C>T (NM_133378.4, NM_001256850.1); c.11311+5515C>T (NM_001267550.2); short protein forms Q4931*.
Identifiers: ClinVar variation 4795450 (VCV004795450.2), dbSNP rs1192196076.